The following is an entry in ClinVar:

ClinVar aggregate classification (germline): Uncertain significance (1 of 4 stars; one submission).

Submission:

Labcorp Genetics (formerly Invitae), Labcorp
Classification: Uncertain significance. Last evaluated: 2025-02-09. Review status: criteria provided, single submitter. Criteria: Invitae Variant Classification Sherloc (09022015). Collection method: clinical testing. Allele origin: germline.
Comment: This sequence change affects an acceptor splice site in intron 12 of the COMP gene. It is expected to disrupt RNA splicing. Variants that disrupt the donor or acceptor splice site typically lead to a loss of protein function (PMID: 16199547), however the current clinical and genetic evidence is not sufficient to establish whether loss-of-function variants in COMP cause disease. This variant is not present in population databases (gnomAD no frequency). This variant has not been reported in the literature in individuals affected with COMP-related conditions. Algorithms developed to predict the effect of sequence changes on RNA splicing suggest that this variant may disrupt the consensus splice site. In summary, the available evidence is currently insufficient to determine the role of this variant in disease. Therefore, it has been classified as a Variant of Uncertain Significance.

Literature cited by the submitters: PubMed 16199547.

NM_000095.3(COMP):c.1308-2A>G

Gene: COMP (cartilage oligomeric matrix protein; minus strand). Cytogenetic location: 19p13.11.
Variant type: single nucleotide variant.
Coding change: c.1308-2A>G on transcript NM_000095.3 (MANE Select); the canonical splice acceptor site of the intron before coding-DNA position 1308, A replaced by G.
Molecular consequence: splice acceptor variant.
Genome position (GRCh38, 1-based): chr19:18,786,148, T>C on the plus strand (A>G on the coding strand, the complement: COMP is on the minus strand). VCF-style: chr19-18786148-T-C. GRCh37 (hg19) VCF-style: chr19-18896958-T-C.
Identifiers: ClinVar variation 4712644 (VCV004712644.1).